The following is an entry in ClinVar:

ClinVar aggregate classification (germline): Uncertain significance (1 of 4 stars; one submission).

gnomAD v4.1: 2 of 1,613,966 alleles (0.00012%); highest among the groups gnomAD compares: South Asian, 0.0022%; no homozygotes.

Submission:

Labcorp Genetics (formerly Invitae), Labcorp
Classification: Uncertain significance. Last evaluated: 2024-07-06. Review status: criteria provided, single submitter. Criteria: Invitae Variant Classification Sherloc (09022015). Collection method: clinical testing. Allele origin: germline.
Comment: This sequence change replaces valine, which is neutral and non-polar, with leucine, which is neutral and non-polar, at codon 423 of the BLK protein (p.Val423Leu). This variant is not present in population databases (gnomAD no frequency). This variant has not been reported in the literature in individuals affected with BLK-related conditions. An algorithm developed to predict the effect of missense changes on protein structure and function (PolyPhen-2) suggests that this variant is likely to be tolerated. In summary, the available evidence is currently insufficient to determine the role of this variant in disease. Therefore, it has been classified as a Variant of Uncertain Significance.

NM_001715.3(BLK):c.1267G>C (p.Val423Leu)

Gene: BLK (BLK proto-oncogene, Src family tyrosine kinase). Cytogenetic location: 8p23.1.
Variant type: single nucleotide variant.
Coding change: c.1267G>C on transcript NM_001715.3 (MANE Select); coding-DNA position 1267, G replaced by C.
Protein change: p.Val423Leu; replaces valine 423 with leucine.
Molecular consequence: missense variant.
Genome position (GRCh38, 1-based): chr8:11,563,065, G>C. VCF-style: chr8-11563065-G-C. GRCh37 (hg19) VCF-style: chr8-11420574-G-C.
Other names: c.1054G>C, p.Val352Leu (NM_001330465.2); short protein forms V423L, V352L.
Identifiers: ClinVar variation 3688119 (VCV003688119.2).